The following is an entry in ClinVar:

NM_006947.4(SRP72):c.274A>G (p.Asn92Asp)

Gene: SRP72 (signal recognition particle 72; plus strand). Cytogenetic location: 4q12.
Variant type: single nucleotide variant.
Coding change: c.274A>G on transcript NM_006947.4 (MANE Select); coding-DNA position 274, A replaced by G.
Protein change: p.Asn92Asp; replaces asparagine 92 with aspartic acid.
Molecular consequence: missense variant. On other transcripts: non-coding transcript variant (1).
Genome position (GRCh38, 1-based): chr4:56,471,763, A>G. VCF-style: chr4-56471763-A-G. GRCh37 (hg19) VCF-style: chr4-57337929-A-G.
Other names: c.274A>G (NM_006947.3); c.274A>G, p.Asn92Asp (NM_001267722.2); short protein forms N92D.
Identifiers: ClinVar variation 1945425 (VCV001945425.6), dbSNP rs900285576, ClinGen allele CA97585711.

ClinVar aggregate classification (germline): Uncertain significance. Review status: criteria provided, multiple submitters, no conflicts (2 of 4 stars). 2 submissions from 2 submitters: Uncertain significance (2). Last evaluated 2024-11-23.

Allele frequency attached by ClinVar (database versions not stated): gnomAD exomes below 0.00001; TOPMed 0.00001.
gnomAD v4.1: 5 of 1,614,080 alleles (0.00031%); highest among the groups gnomAD compares: Admixed American, 0.0067%; no homozygotes.

Submissions (2):

Ambry Genetics
Classification: Uncertain significance. Last evaluated: 2024-11-23. Review status: criteria provided, single submitter. Criteria: Ambry Variant Classification Scheme 2023. Collection method: clinical testing. Allele origin: germline.
Comment: The p.N92D variant (also known as c.274A>G), located in coding exon 3 of the SRP72 gene, results from an A to G substitution at nucleotide position 274. The asparagine at codon 92 is replaced by aspartic acid, an amino acid with highly similar properties. This amino acid position is conserved. In addition, this alteration is predicted to be tolerated by in silico analysis. Based on the available evidence, the clinical significance of this variant remains unclear.

Labcorp Genetics (formerly Invitae), Labcorp
Classification: Uncertain significance. Last evaluated: 2023-07-21. Review status: criteria provided, single submitter. Criteria: Invitae Variant Classification Sherloc (09022015). Collection method: clinical testing. Allele origin: germline.
Comment: In summary, the available evidence is currently insufficient to determine the role of this variant in disease. Therefore, it has been classified as a Variant of Uncertain Significance. Advanced modeling of protein sequence and biophysical properties (such as structural, functional, and spatial information, amino acid conservation, physicochemical variation, residue mobility, and thermodynamic stability) has been performed at Invitae for this missense variant, however the output from this modeling did not meet the statistical confidence thresholds required to predict the impact of this variant on SRP72 protein function. ClinVar contains an entry for this variant (Variation ID: 1945425). This variant has not been reported in the literature in individuals affected with SRP72-related conditions. This variant is present in population databases (no rsID available, gnomAD 0.01%). This sequence change replaces asparagine, which is neutral and polar, with aspartic acid, which is acidic and polar, at codon 92 of the SRP72 protein (p.Asn92Asp).